The following is an entry in ClinVar:

ClinVar aggregate classification (germline): Conflicting classifications of pathogenicity. Review status: criteria provided, conflicting classifications (1 of 4 stars). 2 submissions from 2 submitters: Uncertain significance (1); Likely benign (1). Last evaluated 2025-10-22.

Allele frequency attached by ClinVar (database versions not stated): 1000 Genomes Project 0.00120; 1000 Genomes Project 30x 0.00141; gnomAD 0.00175; TOPMed 0.00178; ExAC 0.00186; ESP Exome Variant Server 0.00231; gnomAD exomes 0.00326.
gnomAD v4.1: 4,969 of 1,612,596 alleles (0.31%); highest among the groups gnomAD compares: Non-Finnish European, 0.38%; 16 homozygotes.

Submissions (2):

Ambry Genetics
Classification: Uncertain significance. Last evaluated: 2025-10-22. Review status: criteria provided, single submitter. Criteria: Ambry Variant Classification Scheme 2023. Collection method: clinical testing. Allele origin: germline.

CeGaT Center for Human Genetics Tuebingen
Classification: Likely benign. Last evaluated: 2023-05-01. Review status: criteria provided, single submitter. Criteria: CeGaT Center For Human Genetics Tuebingen Variant Classification Criteria Version 2. Collection method: clinical testing. Allele origin: germline. Affected: yes. Observed: 1 variant allele.
Comment: PGAP6: BP4, BS2

NM_021259.3(PGAP6):c.2218C>A (p.Pro740Thr)

Gene: PGAP6 (post-GPI attachment to proteins 6; minus strand). Cytogenetic location: 16p13.3.
Variant type: single nucleotide variant.
Coding change: c.2218C>A on transcript NM_021259.3 (MANE Select); coding-DNA position 2218, C replaced by A.
Protein change: p.Pro740Thr; replaces proline 740 with threonine.
Molecular consequence: missense variant.
Genome position (GRCh38, 1-based): chr16:372,085, G>T on the plus strand (C>A on the coding strand, the complement: PGAP6 is on the minus strand). VCF-style: chr16-372085-G-T. GRCh37 (hg19) VCF-style: chr16-422085-G-T.
Other names: c.2218C>A (NM_021259.2); short protein forms P740T.
Identifiers: ClinVar variation 2645788 (VCV002645788.24), dbSNP rs145361083, ClinGen allele CA7775119.